The following is an entry in ClinVar:

NM_153717.3(EVC):c.734T>A (p.Leu245His)

Gene: EVC (EvC ciliary complex subunit 1; plus strand). Cytogenetic location: 4p16.2.
Variant type: single nucleotide variant.
Coding change: c.734T>A on transcript NM_153717.3 (MANE Select); coding-DNA position 734, T replaced by A.
Protein change: p.Leu245His; replaces leucine 245 with histidine.
Molecular consequence: missense variant.
Genome position (GRCh38, 1-based): chr4:5,741,747, T>A. VCF-style: chr4-5741747-T-A. GRCh37 (hg19) VCF-style: chr4-5743474-T-A.
Other names: c.734T>A, p.Leu245His (NM_001306090.2, NM_001306092.2); short protein forms L245H.
Identifiers: ClinVar variation 2286984 (VCV002286984.5), dbSNP rs2474945632, ClinGen allele CA356147448.
Genomic context (GRCh38, chr4:5,741,747, plus strand): 5'-TTTTGTTATCTTTCCTTTCTTGGCAATAGATGTTTATTCAGATTTTTAAAATGTGCCTCC[T>A]TGACCTTCTTCCTAAAAAGAAGTCAGATGATGAACTATACCAGAAGATCCTTTCAAAACA-3'
Protein context (NP_714928.1, residues 235-255): MFIQIFKMCL[Leu245His]DLLPKKKSDD

ClinVar aggregate classification (germline): Uncertain significance. Review status: criteria provided, multiple submitters, no conflicts (2 of 4 stars). 2 submissions from 2 submitters: Uncertain significance (2). Last evaluated 2023-11-16.

Conditions:
Ellis-van Creveld syndrome (EVC). Also called: EVC-Related Ellis-van Creveld Syndrome; EVC2-Related Ellis-van Creveld Syndrome; MESOECTODERMAL DYSPLASIA; Chondroectodermal dysplasia. Identifiers: Orphanet 289, MedGen C0013903, MONDO:0009162, OMIM 225500.
Curry-Hall syndrome (WAD). Also called: WEYERS ACRODENTAL DYSOSTOSIS. Identifiers: Orphanet 952, MedGen C0457013, MONDO:0008673, OMIM 193530.
Inborn genetic diseases. Identifiers: MedGen C0950123, MeSH D030342.

Allele frequency attached by ClinVar (database versions not stated): gnomAD exomes below 0.00001.
gnomAD v4.1: 1 of 1,574,234 alleles (0.000064%); highest among the groups gnomAD compares: Admixed American, 0.0017%; no homozygotes.

Submissions (2):

Labcorp Genetics (formerly Invitae), Labcorp
Classification: Uncertain significance for Curry-Hall syndrome; Ellis-van Creveld syndrome. Last evaluated: 2023-11-16. Review status: criteria provided, single submitter. Criteria: Invitae Variant Classification Sherloc (09022015). Collection method: clinical testing. Allele origin: germline.
Comment: This sequence change replaces leucine, which is neutral and non-polar, with histidine, which is basic and polar, at codon 245 of the EVC protein (p.Leu245His). This variant is not present in population databases (gnomAD no frequency). This variant has not been reported in the literature in individuals affected with EVC-related conditions. ClinVar contains an entry for this variant (Variation ID: 2286984). Advanced modeling of protein sequence and biophysical properties (such as structural, functional, and spatial information, amino acid conservation, physicochemical variation, residue mobility, and thermodynamic stability) has been performed at Invitae for this missense variant, however the output from this modeling did not meet the statistical confidence thresholds required to predict the impact of this variant on EVC protein function. In summary, the available evidence is currently insufficient to determine the role of this variant in disease. Therefore, it has been classified as a Variant of Uncertain Significance.

Ambry Genetics
Classification: Uncertain significance for Inborn genetic diseases. Last evaluated: 2022-05-01. Review status: criteria provided, single submitter. Criteria: Ambry Variant Classification Scheme 2023. Collection method: clinical testing. Allele origin: germline.